The following is an entry in ClinVar:

ClinVar aggregate classification (germline): Uncertain significance. Review status: criteria provided, multiple submitters, no conflicts (2 of 4 stars). 2 submissions from 2 submitters: Uncertain significance (2). Last evaluated 2026-01-06.

Allele frequency attached by ClinVar (database versions not stated): gnomAD exomes below 0.00001 and 0.00001; TOPMed below 0.00001; ExAC 0.00001; gnomAD 0.00001.
gnomAD v4.1: 4 of 1,613,928 alleles (0.00025%); highest among the groups gnomAD compares: Admixed American, 0.005%; no homozygotes.

Submissions (2):

Labcorp Genetics (formerly Invitae), Labcorp
Classification: Uncertain significance. Last evaluated: 2026-01-06. Review status: criteria provided, single submitter. Criteria: Invitae Variant Classification Sherloc (09022015). Collection method: clinical testing. Allele origin: germline.
Comment: This sequence change replaces glutamic acid, which is acidic and polar, with lysine, which is basic and polar, at codon 560 of the MYLK3 protein (p.Glu560Lys). This variant is present in population databases (rs752995937, gnomAD 0.006%). This variant has not been reported in the literature in individuals affected with MYLK3-related conditions. ClinVar contains an entry for this variant (Variation ID: 1467427). An algorithm developed to predict the effect of missense changes on protein structure and function (PolyPhen-2) suggests that this variant is likely to be disruptive. In summary, the available evidence is currently insufficient to determine the role of this variant in disease. Therefore, it has been classified as a Variant of Uncertain Significance.

Ambry Genetics
Classification: Uncertain significance. Last evaluated: 2021-08-13. Review status: criteria provided, single submitter. Criteria: Ambry Variant Classification Scheme 2023. Collection method: clinical testing. Allele origin: germline.

NM_182493.3(MYLK3):c.1678G>A (p.Glu560Lys)

Gene: MYLK3 (myosin light chain kinase 3; minus strand). Cytogenetic location: 16q11.2.
Variant type: single nucleotide variant.
Coding change: c.1678G>A on transcript NM_182493.3 (MANE Select); coding-DNA position 1678, G replaced by A.
Protein change: p.Glu560Lys; replaces glutamic acid 560 with lysine.
Molecular consequence: missense variant.
Genome position (GRCh38, 1-based): chr16:46,729,118, C>T on the plus strand (G>A on the coding strand, the complement: MYLK3 is on the minus strand). VCF-style: chr16-46729118-C-T. GRCh37 (hg19) VCF-style: chr16-46763030-C-T.
Other names: c.1678G>A (NM_182493.2); c.655G>A, p.Glu219Lys (NM_001308301.1); short protein forms E219K, E560K.
Identifiers: ClinVar variation 1467427 (VCV001467427.7), dbSNP rs752995937, ClinGen allele CA8037881.